The following is an entry in ClinVar:

ClinVar aggregate classification (germline): Uncertain significance (1 of 4 stars; one submission).

gnomAD v4.1: 7 of 1,613,844 alleles (0.00043%); highest among the groups gnomAD compares: South Asian, 0.0055%; no homozygotes.

Submission:

Labcorp Genetics (formerly Invitae), Labcorp
Classification: Uncertain significance. Last evaluated: 2024-07-30. Review status: criteria provided, single submitter. Criteria: Invitae Variant Classification Sherloc (09022015). Collection method: clinical testing. Allele origin: germline.
Comment: This sequence change replaces valine, which is neutral and non-polar, with isoleucine, which is neutral and non-polar, at codon 71 of the MAD2L2 protein (p.Val71Ile). This variant is present in population databases (rs528545179, gnomAD 0.006%). This variant has not been reported in the literature in individuals affected with MAD2L2-related conditions. An algorithm developed to predict the effect of missense changes on protein structure and function (PolyPhen-2) suggests that this variant is likely to be tolerated. In summary, the available evidence is currently insufficient to determine the role of this variant in disease. Therefore, it has been classified as a Variant of Uncertain Significance.

NM_006341.4(MAD2L2):c.211G>A (p.Val71Ile)

Gene: MAD2L2 (mitotic arrest deficient 2 like 2; minus strand). Cytogenetic location: 1p36.22.
Variant type: single nucleotide variant.
Coding change: c.211G>A on transcript NM_006341.4 (MANE Select); coding-DNA position 211, G replaced by A.
Protein change: p.Val71Ile; replaces valine 71 with isoleucine.
Molecular consequence: missense variant.
Genome position (GRCh38, 1-based): chr1:11,677,563, C>T on the plus strand (G>A on the coding strand, the complement: MAD2L2 is on the minus strand). VCF-style: chr1-11677563-C-T. GRCh37 (hg19) VCF-style: chr1-11737620-C-T.
Other names: c.211G>A, p.Val71Ile (NM_001127325.2); short protein forms V71I.
Identifiers: ClinVar variation 3711418 (VCV003711418.2).
Genomic context (GRCh38, chr1:11,677,563, plus strand): 5'-GCATGGGGTGAGATGGCTGGGGAGCCCAGTGCACCCTCACCTTCTCCAGGAGTGGCTTGA[C>T]GCAGTGCAGCGTGTCCTGGATATACTGATTCAGCTCCGGGTGGCAGGACATCTGCACACA-3'
Protein context (NP_006332.3, residues 61-81): NQYIQDTLHC[Val71Ile]KPLLEKNDVE